The following is an entry in ClinVar:

NM_024577.4(SH3TC2):c.2060A>G (p.His687Arg)

Gene: SH3TC2 (SH3 domain and tetratricopeptide repeats 2; minus strand). Cytogenetic location: 5q32.
Variant type: single nucleotide variant.
Coding change: c.2060A>G on transcript NM_024577.4 (MANE Select); coding-DNA position 2060, A replaced by G.
Protein change: p.His687Arg; replaces histidine 687 with arginine.
Molecular consequence: missense variant.
Genome position (GRCh38, 1-based): chr5:149,027,672, T>C on the plus strand (A>G on the coding strand, the complement: SH3TC2 is on the minus strand). VCF-style: chr5-149027672-T-C. GRCh37 (hg19) VCF-style: chr5-148407235-T-C.
Other names: short protein forms H687R.
Identifiers: ClinVar variation 1002488 (VCV001002488.8), dbSNP rs1171441665, ClinGen allele CA361667162.

ClinVar aggregate classification (germline): Uncertain significance (1 of 4 stars; one submission).

Conditions:
Charcot-Marie-Tooth disease type 4. Also called: Charcot-Marie-Tooth, Type 4; Charcot-Marie-Tooth disease, type IV. Identifiers: Orphanet 64749, MedGen C4082197, MONDO:0018995.

Submission:

Labcorp Genetics (formerly Invitae), Labcorp
Classification: Uncertain significance for Charcot-Marie-Tooth disease type 4. Last evaluated: 2022-08-16. Review status: criteria provided, single submitter. Criteria: Invitae Variant Classification Sherloc (09022015). Collection method: clinical testing. Allele origin: germline.
Comment: ClinVar contains an entry for this variant (Variation ID: 1002488). In summary, the available evidence is currently insufficient to determine the role of this variant in disease. Therefore, it has been classified as a Variant of Uncertain Significance. Advanced modeling of protein sequence and biophysical properties (such as structural, functional, and spatial information, amino acid conservation, physicochemical variation, residue mobility, and thermodynamic stability) performed at Invitae indicates that this missense variant is not expected to disrupt SH3TC2 protein function. This variant has not been reported in the literature in individuals affected with SH3TC2-related conditions. This variant is not present in population databases (gnomAD no frequency). This sequence change replaces histidine, which is basic and polar, with arginine, which is basic and polar, at codon 687 of the SH3TC2 protein (p.His687Arg).